The following is an entry in ClinVar:

ClinVar aggregate classification (germline): Likely pathogenic (1 of 4 stars; one submission).

Submission:

Labcorp Genetics (formerly Invitae), Labcorp
Classification: Likely pathogenic. Last evaluated: 2023-09-22. Review status: criteria provided, single submitter. Criteria: Invitae Variant Classification Sherloc (09022015). Collection method: clinical testing. Allele origin: germline.
Comment: This sequence change affects a donor splice site in intron 5 of the SLC26A3 gene. It is expected to disrupt RNA splicing. Variants that disrupt the donor or acceptor splice site typically lead to a loss of protein function (PMID: 16199547), and loss-of-function variants in SLC26A3 are known to be pathogenic (PMID: 9718329, 21394828). This variant is not present in population databases (gnomAD no frequency). This variant has not been reported in the literature in individuals affected with SLC26A3-related conditions. Algorithms developed to predict the effect of sequence changes on RNA splicing suggest that this variant may disrupt the consensus splice site. In summary, the currently available evidence indicates that the variant is pathogenic, but additional data are needed to prove that conclusively. Therefore, this variant has been classified as Likely Pathogenic.

Literature cited by the submitters: PubMed 16199547; PubMed 9718329; PubMed 21394828.

NM_000111.3(SLC26A3):c.570+1G>T

Gene: SLC26A3 (solute carrier family 26 member 3; minus strand). Cytogenetic location: 7q22.3.
Variant type: single nucleotide variant.
Coding change: c.570+1G>T on transcript NM_000111.3 (MANE Select); the canonical splice donor site of the intron after coding-DNA position 570, G replaced by T.
Molecular consequence: splice donor variant.
Genome position (GRCh38, 1-based): chr7:107,791,047, C>A on the plus strand (G>T on the coding strand, the complement: SLC26A3 is on the minus strand). VCF-style: chr7-107791047-C-A. GRCh37 (hg19) VCF-style: chr7-107431492-C-A.
Identifiers: ClinVar variation 2762669 (VCV002762669.3), dbSNP rs1432186347, ClinGen allele CA368853423.